The following is an entry in ClinVar:

ClinVar aggregate classification (germline): Uncertain significance. Review status: criteria provided, multiple submitters, no conflicts (2 of 4 stars). 3 submissions from 3 submitters: Uncertain significance (3). Last evaluated 2026-09-16.

Conditions:
IFT172-related disorder. Also called: IFT172-related condition; IFT172-related disorders.
Retinitis pigmentosa 71 (RP71). Identifiers: Orphanet 791, MedGen C4225342, MONDO:0014618, OMIM 616394.
Short-rib thoracic dysplasia 10 with or without polydactyly (SRTD10). Identifiers: Orphanet 474, MedGen C3810175, MONDO:0014284, OMIM 615630.

Allele frequency attached by ClinVar (database versions not stated): TOPMed below 0.00001; gnomAD 0.00001; gnomAD exomes 0.00001; ExAC 0.00002.
gnomAD v4.1: 13 of 1,614,002 alleles (0.00081%); highest among the groups gnomAD compares: South Asian, 0.0077%; 1 homozygote.

Submissions (3):

PreventionGenetics, part of Exact Sciences
Classification: Uncertain significance for IFT172-related condition. Last evaluated: 2026-09-16. Review status: criteria provided, single submitter. Criteria: ACMG Guidelines, 2015. Collection method: clinical testing. Allele origin: germline.
Comment: The IFT172 c.2509G>A variant is predicted to result in the amino acid substitution p.Ala837Thr. This variant has been reported in the compound heterozygous state in an individual with keratoconus (Li et al. 2024. PubMed ID: 39326774). This variant is reported in 0.0054% of alleles in individuals of East Asian descent in gnomAD. At this time, the clinical significance of this variant is uncertain due to the absence of conclusive functional and genetic evidence.

Blueprint Genetics
Classification: Uncertain significance. Last evaluated: 2023-11-22. Review status: criteria provided, single submitter. Criteria: ACMG Guidelines, 2015. Collection method: clinical testing. Allele origin: germline.

Labcorp Genetics (formerly Invitae), Labcorp
Classification: Uncertain significance for Retinitis pigmentosa 71; Short-rib thoracic dysplasia 10 with or without polydactyly. Last evaluated: 2022-02-24. Review status: criteria provided, single submitter. Criteria: Invitae Variant Classification Sherloc (09022015). Collection method: clinical testing. Allele origin: germline.
Comment: In summary, the available evidence is currently insufficient to determine the role of this variant in disease. Therefore, it has been classified as a Variant of Uncertain Significance. Algorithms developed to predict the effect of missense changes on protein structure and function are either unavailable or do not agree on the potential impact of this missense change (SIFT: "Deleterious"; PolyPhen-2: "Benign"; Align-GVGD: "Class C0"). ClinVar contains an entry for this variant (Variation ID: 845882). This variant has not been reported in the literature in individuals affected with IFT172-related conditions. This variant is present in population databases (rs752494593, gnomAD 0.006%). This sequence change replaces alanine, which is neutral and non-polar, with threonine, which is neutral and polar, at codon 837 of the IFT172 protein (p.Ala837Thr).

NM_015662.3(IFT172):c.2509G>A (p.Ala837Thr)

Gene: IFT172 (intraflagellar transport 172; minus strand). Cytogenetic location: 2p23.3.
Variant type: single nucleotide variant.
Coding change: c.2509G>A on transcript NM_015662.3 (MANE Select); coding-DNA position 2509, G replaced by A.
Protein change: p.Ala837Thr; replaces alanine 837 with threonine.
Molecular consequence: missense variant.
Genome position (GRCh38, 1-based): chr2:27,461,027, C>T on the plus strand (G>A on the coding strand, the complement: IFT172 is on the minus strand). VCF-style: chr2-27461027-C-T. GRCh37 (hg19) VCF-style: chr2-27683894-C-T.
Other names: short protein forms A837T.
Identifiers: ClinVar variation 845882 (VCV000845882.11), dbSNP rs752494593, ClinGen allele CA1580285.
Genomic context (GRCh38, chr2:27,461,027, plus strand): 5'-TGGGCAAGAGTCCACAACAGTAAAGGATGGCTTATAGGTGGCTAGTACCTTTCATGAATG[C>T]GTTGCCTTTACGGTAGCACTCCAGGGCCTTCTGTGGATTGTGAATCTTCTCAAAGAGATC-3'
Protein context (NP_056477.1, residues 827-847): KALECYRKGN[Ala837Thr]FMKAVELARL